The following is an entry in ClinVar:

NM_014639.4(SKIC3):c.1873A>G (p.Ser625Gly)

Gene: SKIC3 (SKI3 subunit of superkiller complex; minus strand). Cytogenetic location: 5q15.
Variant type: single nucleotide variant.
Coding change: c.1873A>G on transcript NM_014639.4 (MANE Select); coding-DNA position 1873, A replaced by G.
Protein change: p.Ser625Gly; replaces serine 625 with glycine.
Molecular consequence: missense variant.
Genome position (GRCh38, 1-based): chr5:95,522,192, T>C on the plus strand (A>G on the coding strand, the complement: SKIC3 is on the minus strand). VCF-style: chr5-95522192-T-C. GRCh37 (hg19) VCF-style: chr5-94857896-T-C.
Other names: short protein forms S625G.
Identifiers: ClinVar variation 1476147 (VCV001476147.5), dbSNP rs987863582, ClinGen allele CA122859448.

ClinVar aggregate classification (germline): Uncertain significance (1 of 4 stars; one submission).

Allele frequency attached by ClinVar (database versions not stated): gnomAD 0.00001; gnomAD exomes 0.00001.
gnomAD v4.1: 11 of 1,613,808 alleles (0.00068%); highest among the groups gnomAD compares: Non-Finnish European, 0.00093%; no homozygotes.

Submission:

Labcorp Genetics (formerly Invitae), Labcorp
Classification: Uncertain significance. Last evaluated: 2021-08-20. Review status: criteria provided, single submitter. Criteria: Invitae Variant Classification Sherloc (09022015). Collection method: clinical testing. Allele origin: germline.
Comment: This sequence change replaces serine with glycine at codon 625 of the TTC37 protein (p.Ser625Gly). The serine residue is moderately conserved and there is a small physicochemical difference between serine and glycine. This variant is not present in population databases (ExAC no frequency). This variant has not been reported in the literature in individuals affected with TTC37-related conditions. Algorithms developed to predict the effect of missense changes on protein structure and function (SIFT, PolyPhen-2, Align-GVGD) all suggest that this variant is likely to be tolerated. Algorithms developed to predict the effect of sequence changes on RNA splicing suggest that this variant may create or strengthen a splice site. In summary, the available evidence is currently insufficient to determine the role of this variant in disease. Therefore, it has been classified as a Variant of Uncertain Significance.